The following is an entry in ClinVar:

NM_203447.4(DOCK8):c.1461T>C (p.Phe487=)

Gene: DOCK8 (dedicator of cytokinesis 8; plus strand). Cytogenetic location: 9p24.3.
Variant type: single nucleotide variant.
Coding change: c.1461T>C on transcript NM_203447.4 (MANE Select); coding-DNA position 1461, T replaced by C.
Protein change: p.Phe487=; no amino-acid change (phenylalanine 487 retained).
Molecular consequence: synonymous variant.
Genome position (GRCh38, 1-based): chr9:339,044, T>C. VCF-style: chr9-339044-T-C. GRCh37 (hg19) VCF-style: chr9-339044-T-C.
Other names: c.1257T>C, p.Phe419= (NM_001190458.2, NM_001193536.2).
Identifiers: ClinVar variation 2659014 (VCV002659014.24), dbSNP rs1341893176, ClinGen allele CA463682202.

ClinVar aggregate classification (germline): Likely benign (1 of 4 stars; one submission).

Allele frequency attached by ClinVar (database versions not stated): gnomAD exomes below 0.00001; TOPMed below 0.00001; gnomAD 0.00001.
gnomAD v4.1: 3 of 1,614,048 alleles (0.00019%); highest among the groups gnomAD compares: Non-Finnish European, 0.00025%; no homozygotes.

Submission:

CeGaT Center for Human Genetics Tuebingen
Classification: Likely benign. Last evaluated: 2022-10-01. Review status: criteria provided, single submitter. Criteria: CeGaT Center For Human Genetics Tuebingen Variant Classification Criteria Version 2. Collection method: clinical testing. Allele origin: germline. Affected: yes. Observed: 1 variant allele.
Comment: DOCK8: BP4, BP7